The following is an entry in ClinVar:

NM_032776.3(JMJD1C):c.1319A>T (p.Asp440Val)

Gene: JMJD1C (jumonji domain containing 1C; minus strand). Cytogenetic location: 10q21.3.
Variant type: single nucleotide variant.
Coding change: c.1319A>T on transcript NM_032776.3 (MANE Select); coding-DNA position 1319, A replaced by T.
Protein change: p.Asp440Val; replaces aspartic acid 440 with valine.
Molecular consequence: missense variant. On other transcripts: non-coding transcript variant (1).
Genome position (GRCh38, 1-based): chr10:63,214,848, T>A on the plus strand (A>T on the coding strand, the complement: JMJD1C is on the minus strand). VCF-style: chr10-63214848-T-A. GRCh37 (hg19) VCF-style: chr10-64974608-T-A.
Other names: c.773A>T, p.Asp258Val (NM_001282948.2, NM_001318154.2); c.455A>T, p.Asp152Val (NM_001318153.2); c.1205A>T, p.Asp402Val (NM_001322252.2); c.662A>T, p.Asp221Val (NM_001322254.2, NM_001322258.2); short protein forms D152V, D258V, D440V, D402V, D221V.
Identifiers: ClinVar variation 665780 (VCV000665780.10), dbSNP rs1589169292, ClinGen allele CA377050052.
Genomic context (GRCh38, chr10:63,214,848, plus strand): 5'-ATATCTTCTTGAAGCTGAGTGTCAACAGACTTCCGCTTCTCTGCTTCTTCATGTTTTTTA[T>A]CTTCCTGTATTTGATCCCAGGGAGGCTGGCTATTTTTTAGGGTCTCTTCTCCTGCCTTCT-3'
Protein context (NP_116165.1, residues 430-450): SQPPWDQIQE[Asp440Val]KKHEEAEKRK

ClinVar aggregate classification (germline): Uncertain significance (1 of 4 stars; one submission).

Conditions:
Early Myoclonic Encephalopathy. Identifiers: MedGen C0270855.

Allele frequency attached by ClinVar (database versions not stated): gnomAD exomes below 0.00001.
gnomAD v4.1: 1 of 1,614,056 alleles (0.000062%); highest among the groups gnomAD compares: Non-Finnish European, 0.000085%; no homozygotes.

Submission:

Labcorp Genetics (formerly Invitae), Labcorp
Classification: Uncertain significance for Early Myoclonic Encephalopathy. Last evaluated: 2019-07-11. Review status: criteria provided, single submitter. Criteria: Invitae Variant Classification Sherloc (09022015). Collection method: clinical testing. Allele origin: germline.
Comment: This sequence change replaces aspartic acid with valine at codon 440 of the JMJD1C protein (p.Asp440Val). The aspartic acid residue is moderately conserved and there is a large physicochemical difference between aspartic acid and valine. This variant is not present in population databases (ExAC no frequency). This variant has not been reported in the literature in individuals with JMJD1C-related disease. Algorithms developed to predict the effect of missense changes on protein structure and function are either unavailable or do not agree on the potential impact of this missense change (SIFT: "Deleterious"; PolyPhen-2: "Benign"; Align-GVGD: "Class C0"). In summary, the available evidence is currently insufficient to determine the role of this variant in disease. Therefore, it has been classified as a Variant of Uncertain Significance.